The following is an entry in ClinVar:

NM_000136.3(FANCC):c.345+1G>A

Gene: FANCC (FA complementation group C; minus strand). Cytogenetic location: 9q22.32.
Variant type: single nucleotide variant.
Coding change: c.345+1G>A on transcript NM_000136.3 (MANE Select); the canonical splice donor site of the intron after coding-DNA position 345, G replaced by A.
Molecular consequence: splice donor variant.
Genome position (GRCh38, 1-based): chr9:95,240,648, C>T on the plus strand (G>A on the coding strand, the complement: FANCC is on the minus strand). VCF-style: chr9-95240648-C-T. GRCh37 (hg19) VCF-style: chr9-98002930-C-T.
Other names: c.345+1G>A (NM_001243743.2, NM_001243744.2).
Identifiers: ClinVar variation 860589 (VCV000860589.14), dbSNP rs1175257797, ClinGen allele CA374339147.

ClinVar aggregate classification (germline): Likely pathogenic. Review status: criteria provided, multiple submitters, no conflicts (2 of 4 stars). 4 submissions from 4 submitters: Likely pathogenic (3). 1 of the submissions does not count toward it. Last evaluated 2026-08-13.

Conditions:
Fanconi anemia (FA). Also called: Fanconi's anemia. Identifiers: Orphanet 84, MedGen C0015625, MeSH D005199, MONDO:0019391.
Fanconi anemia complementation group C (FANCC). Also called: FACC; Fanconi anemia, group C; FANCONI PANCYTOPENIA, TYPE 3; FANCC-Related Fanconi Anemia. Identifiers: Orphanet 84, MedGen C3468041, MONDO:0009213, OMIM 227645.
Hereditary cancer-predisposing syndrome. Also called: Neoplastic Syndromes, Hereditary; Hereditary Cancer Syndrome; Tumor predisposition; Hereditary neoplastic syndrome. Identifiers: Orphanet 140162, MedGen C0027672, MeSH D009386, MONDO:0015356.

Allele frequency attached by ClinVar (database versions not stated): TOPMed below 0.00001; gnomAD 0.00001.
gnomAD v4.1: 1 of 1,597,394 alleles (0.000063%); highest among the groups gnomAD compares: African/African-American, 0.0013%; no homozygotes.

Submissions (4):

Myriad Genetics, Inc.
Classification: Likely pathogenic for Fanconi anemia complementation group C. Last evaluated: 2026-08-13. Review status: criteria provided, single submitter. Criteria: Myriad Autosomal Dominant, Autosomal Recessive and X-Linked Classification Criteria (2023). Collection method: clinical testing. Allele origin: unknown.
Comment: NM_000136.2(FANCC):c.345+1G>A is a variant in a canonical splice site classified as likely pathogenic in the context of Fanconi anemia, FANCC-related. c.345+1G>A has not been observed in cases with relevant disease. Relevant functional assessments of this variant are not available in the literature. c.345+1G>A has not been observed in referenced population frequency databases. In summary, NM_000136.2(FANCC):c.345+1G>A is a variant in a canonical splice site in a gene where loss of function is a known mechanism of disease and is predicted to disrupt protein function. Please note: this variant was assessed in the context of healthy population screening.

Ambry Genetics
Classification: Likely pathogenic for Hereditary cancer-predisposing syndrome. Last evaluated: 2024-08-05. Review status: criteria provided, single submitter. Criteria: Ambry Variant Classification Scheme 2023. Collection method: clinical testing. Allele origin: germline.
Comment: The c.345+1G>A intronic variant results from a G to A substitution one nucleotide after coding exon 3 of the FANCC gene. This variant is considered to be rare based on population cohorts in the Genome Aggregation Database (gnomAD). This nucleotide position is highly conserved in available vertebrate species. In silico splice site analysis predicts that this alteration will weaken the native splice donor site. Alterations that disrupt the canonical splice site are expected to cause aberrant splicing, resulting in an abnormal protein or a transcript that is subject to nonsense-mediated mRNA decay. As such, this alteration is classified as likely pathogenic.

Labcorp Genetics (formerly Invitae), Labcorp
Classification: Likely pathogenic for Fanconi anemia. Last evaluated: 2024-07-24. Review status: criteria provided, single submitter. Criteria: Invitae Variant Classification Sherloc (09022015). Collection method: clinical testing. Allele origin: germline.
Comment: This sequence change affects a donor splice site in intron 4 of the FANCC gene. It is expected to disrupt RNA splicing. Variants that disrupt the donor or acceptor splice site typically lead to a loss of protein function (PMID: 16199547), and loss-of-function variants in FANCC are known to be pathogenic (PMID: 17924555). This variant is not present in population databases (gnomAD no frequency). This variant has not been reported in the literature in individuals affected with FANCC-related conditions. ClinVar contains an entry for this variant (Variation ID: 860589). Algorithms developed to predict the effect of sequence changes on RNA splicing suggest that this variant may disrupt the consensus splice site. In summary, the currently available evidence indicates that the variant is pathogenic, but additional data are needed to prove that conclusively. Therefore, this variant has been classified as Likely Pathogenic.

Natera, Inc.
Classification: Likely pathogenic for Fanconi anemia. Last evaluated: 2021-05-25. Review status: no assertion criteria provided. Collection method: clinical testing. Allele origin: germline. Not counted in ClinVar's aggregate classification.

Literature cited by the submitters: PubMed 16199547 (cited by Labcorp Genetics (formerly Invitae), Labcorp); PubMed 17924555 (cited by Labcorp Genetics (formerly Invitae), Labcorp).